The following is an entry in ClinVar:

NM_000875.5(IGF1R):c.3530G>A (p.Arg1177His)

Gene: IGF1R (insulin like growth factor 1 receptor; plus strand). Cytogenetic location: 15q26.3.
Variant type: single nucleotide variant.
Coding change: c.3530G>A on transcript NM_000875.5 (MANE Select); coding-DNA position 3530, G replaced by A.
Protein change: p.Arg1177His; replaces arginine 1177 with histidine.
Molecular consequence: missense variant.
Genome position (GRCh38, 1-based): chr15:98,942,995, G>A. VCF-style: chr15-98942995-G-A. GRCh37 (hg19) VCF-style: chr15-99486224-G-A.
Other names: c.3527G>A, p.Arg1176His (NM_001291858.2); short protein forms R1177H, R1176H.
Identifiers: ClinVar variation 635848 (VCV000635848.12), dbSNP rs1596476159, ClinGen allele CA393661586.
Genomic context (GRCh38, chr15:98,942,995, plus strand): 5'-CGCGAGATATCTATGAGACAGACTATTACCGGAAAGGAGGGAAAGGGCTGCTGCCCGTGC[G>A]CTGGATGTCTCCTGAGTCCCTCAAGGATGGAGTCTTCACCACTTACTCGGACGTCTGGTA-3'
Protein context (NP_000866.1, residues 1167-1187): RKGGKGLLPV[Arg1177His]WMSPESLKDG

ClinVar aggregate classification (germline): Conflicting classifications of pathogenicity. Review status: criteria provided, conflicting classifications (1 of 4 stars). 5 submissions from 5 submitters: Likely pathogenic (3); Uncertain significance (2). Last evaluated 2026-01-01.

Conditions:
Inborn genetic diseases. Identifiers: MedGen C0950123, MeSH D030342.
Growth delay due to insulin-like growth factor I resistance. Also called: Somatomedin end-organ insensitivity to; Somatomedin-c resistance to; IGF-1 resistance; Insulin-Like Growth Factor I Resistance; IGF-I RESISTANCE. Identifiers: Orphanet 73273, MedGen C1849157, MONDO:0010038, OMIM 270450.

Allele frequency attached by ClinVar (database versions not stated): gnomAD exomes below 0.00001.
gnomAD v4.1: 2 of 1,614,154 alleles (0.00012%); highest among the groups gnomAD compares: Non-Finnish European, 0.00017%; no homozygotes.

Submissions (5):

CeGaT Center for Human Genetics Tuebingen
Classification: Likely pathogenic. Last evaluated: 2026-01-01. Review status: criteria provided, single submitter. Criteria: CeGaT Center For Human Genetics Tuebingen Variant Classification Criteria Version 2. Collection method: clinical testing. Allele origin: germline. Affected: yes. Observed: 1 variant allele.
Comment: IGF1R: PS2:Moderate, PS4:Moderate, PM2:Supporting, PP3

Fulgent Genetics
Classification: Likely pathogenic for Growth delay due to insulin-like growth factor I resistance. Last evaluated: 2024-01-05. Review status: criteria provided, single submitter. Criteria: ACMG Guidelines, 2015. Collection method: clinical testing. Allele origin: germline.

3billion
Classification: Uncertain significance for Growth delay due to insulin-like growth factor I resistance. Last evaluated: 2022-01-03. Review status: criteria provided, single submitter. Criteria: ACMG Guidelines, 2015. Collection method: clinical testing. Allele origin: germline. Affected: yes. Observed: 1 heterozygote.
Comment: Same nucleotide change resulting in same amino acid change has been previously reported to be associated with IGF1R related disorder (ClinVar ID: VCV000635848, PS1_P). It is not observed in the gnomAD v2.1.1 dataset (PM2_M). In silico tool predictions suggest damaging effect of the variant on gene or gene product (REVEL: 0.891, 3CNET: 0.952, PP3_P). Therefore, this variant is classified as uncertain significance according to the recommendation of ACMG/AMP guideline.

Centre de recherche St Antoine, Sorbonne Université, INSERM, Sorbonne University
Classification: Likely pathogenic for Growth delay due to insulin-like growth factor I resistance. Last evaluated: 2019-01-04. Review status: criteria provided, single submitter. Criteria: ACMG Guidelines, 2015. Collection method: clinical testing. Allele origin: unknown. Affected: yes. Observed: 1 variant allele.

Ambry Genetics
Classification: Uncertain significance for Inborn genetic diseases. Last evaluated: 2017-12-11. Review status: criteria provided, single submitter. Criteria: Ambry exome assertion method (8-5-2015). Collection method: clinical testing. Allele origin: germline. Affected: yes. Observed: 1 variant allele.

Literature cited by the submitters: PubMed 30848790 (cited by Centre de recherche St Antoine, Sorbonne Université, INSERM, Sorbonne University).